The following is an entry in ClinVar:

NM_001385641.1(SAMD11):c.1708C>G (p.Leu570Val)

Gene: SAMD11 (sterile alpha motif domain containing 11; plus strand). Cytogenetic location: 1p36.33.
Variant type: single nucleotide variant.
Coding change: c.1708C>G on transcript NM_001385641.1 (MANE Select); coding-DNA position 1708, C replaced by G.
Protein change: p.Leu570Val; replaces leucine 570 with valine.
Molecular consequence: missense variant.
Genome position (GRCh38, 1-based): chr1:942,713, C>G. VCF-style: chr1-942713-C-G. GRCh37 (hg19) VCF-style: chr1-878093-C-G.
Other names: c.1711C>G, p.Leu571Val (NM_001385640.1); c.1219C>G, p.Leu407Val (NM_152486.4); short protein forms L407V, L570V, L571V.
Identifiers: ClinVar variation 1053259 (VCV001053259.7), dbSNP rs1342711017, ClinGen allele CA337809652.

ClinVar aggregate classification (germline): Uncertain significance (1 of 4 stars; one submission).

gnomAD v4.1: 2 of 1,454,550 alleles (0.00014%); highest among the groups gnomAD compares: South Asian, 0.0014%; no homozygotes.

Submission:

Labcorp Genetics (formerly Invitae), Labcorp
Classification: Uncertain significance. Last evaluated: 2020-01-27. Review status: criteria provided, single submitter. Criteria: Invitae Variant Classification Sherloc (09022015). Collection method: clinical testing. Allele origin: germline.
Comment: In summary, the available evidence is currently insufficient to determine the role of this variant in disease. Therefore, it has been classified as a Variant of Uncertain Significance. Algorithms developed to predict the effect of missense changes on protein structure and function are either unavailable or do not agree on the potential impact of this missense change (SIFT: "Deleterious"; PolyPhen-2: "Benign"; Align-GVGD: "Class C25"). This variant has not been reported in the literature in individuals with SAMD11-related conditions. The frequency data for this variant in the population databases is considered unreliable, as metrics indicate insufficient coverage at this position in the ExAC database. This sequence change replaces leucine with valine at codon 407 of the SAMD11 protein (p.Leu407Val). The leucine residue is highly conserved and there is a small physicochemical difference between leucine and valine.